The following is an entry in ClinVar:

ClinVar aggregate classification (germline): Uncertain significance. Review status: criteria provided, multiple submitters, no conflicts (2 of 4 stars). 3 submissions from 3 submitters: Uncertain significance (3). Last evaluated 2023-11-16.

Conditions:
Eichsfeld type congenital muscular dystrophy (CMYO3). Also called: SELENON-related myopathy; Congenital myopathy 3 with rigid spine; Rigid spine muscular dystrophy 1; MYOPATHY, SEPN1-RELATED. Identifiers: MedGen C0410180, MONDO:0100100, OMIM 602771.

Allele frequency attached by ClinVar (database versions not stated): gnomAD exomes below 0.00001; gnomAD 0.00002; TOPMed 0.00002.
gnomAD v4.1: 6 of 1,614,060 alleles (0.00037%); highest among the groups gnomAD compares: Admixed American, 0.0033%; no homozygotes.

Submissions (3):

Women's Health and Genetics/Laboratory Corporation of America, LabCorp
Classification: Uncertain significance. Last evaluated: 2023-11-16. Review status: criteria provided, single submitter. Criteria: LabCorp Variant Classification Summary - May 2015. Collection method: clinical testing. Allele origin: germline.
Comment: Variant summary: SELENON c.1730T>C (p.Leu577Pro) results in a non-conservative amino acid change in the encoded protein sequence. Five of five in-silico tools predict a damaging effect of the variant on protein function. The variant allele was found at a frequency of 4e-06 in 249518 control chromosomes (gnomAD). The available data on variant occurrences in the general population are insufficient to allow any conclusion about variant significance. c.1730T>C has been reported in the literature in an individual affected with mild myopathy (Vill_2017). This report does not provide unequivocal conclusions about association of the variant with Eichsfeld Type Congenital Muscular Dystrophy. To our knowledge, no experimental evidence demonstrating an impact on protein function has been reported. The following publication has been ascertained in the context of this evaluation (PMID: 29172004). Two submitters have cited clinical-significance assessments for this variant to ClinVar after 2014. Both submitters classified the variant as uncertain significance. Based on the evidence outlined above, the variant was classified as uncertain significance.

Labcorp Genetics (formerly Invitae), Labcorp
Classification: Uncertain significance for Eichsfeld type congenital muscular dystrophy. Last evaluated: 2022-04-11. Review status: criteria provided, single submitter. Criteria: Invitae Variant Classification Sherloc (09022015). Collection method: clinical testing. Allele origin: germline.
Comment: This sequence change replaces leucine, which is neutral and non-polar, with proline, which is neutral and non-polar, at codon 577 of the SELENON protein (p.Leu577Pro). In summary, the available evidence is currently insufficient to determine the role of this variant in disease. Therefore, it has been classified as a Variant of Uncertain Significance. Algorithms developed to predict the effect of missense changes on protein structure and function are either unavailable or do not agree on the potential impact of this missense change (SIFT: "Deleterious"; PolyPhen-2: "Probably Damaging"; Align-GVGD: "Class C0"). This missense change has been observed in individual(s) with SELENON-related conditions (PMID: 29172004). This variant is present in population databases (no rsID available, gnomAD 0.003%).

Revvity Omics, Revvity
Classification: Uncertain significance for Eichsfeld type congenital muscular dystrophy. Last evaluated: 2019-06-24. Review status: criteria provided, single submitter. Criteria: ACMG Guidelines, 2015. Collection method: clinical testing. Allele origin: germline.

Literature cited by the submitters: PubMed 29172004 (cited by Women's Health and Genetics/Laboratory Corporation of America, LabCorp and Labcorp Genetics (formerly Invitae), Labcorp).

NM_206926.2(SELENON):c.1628T>C (p.Leu543Pro)

Gene: SELENON (selenoprotein N; plus strand). Cytogenetic location: 1p36.11.
Variant type: single nucleotide variant.
Coding change: c.1628T>C on transcript NM_206926.2 (MANE Select); coding-DNA position 1628, T replaced by C.
Protein change: p.Leu543Pro; replaces leucine 543 with proline.
Molecular consequence: missense variant.
Genome position (GRCh38, 1-based): chr1:25,815,675, T>C. VCF-style: chr1-25815675-T-C. GRCh37 (hg19) VCF-style: chr1-26142166-T-C.
Other names: c.1730T>C (NM_020451.2); c.1730T>C, p.Leu577Pro (NM_020451.3); short protein forms L577P, L543P.
Identifiers: ClinVar variation 2159321 (VCV002159321.8), dbSNP rs1214297046, ClinGen allele CA339121575.